The following is an entry in ClinVar:

NM_017780.4(CHD7):c.2957+6T>A

Gene: CHD7 (chromodomain helicase DNA binding protein 7; plus strand). Cytogenetic location: 8q12.2.
Variant type: single nucleotide variant.
Coding change: c.2957+6T>A on transcript NM_017780.4 (MANE Select); 6 bases into the intron after coding-DNA position 2957, T replaced by A.
Molecular consequence: intron variant.
Genome position (GRCh38, 1-based): chr8:60,822,151, T>A. VCF-style: chr8-60822151-T-A. GRCh37 (hg19) VCF-style: chr8-61734710-T-A.
Other names: c.1717-40078T>A (NM_001316690.1).
Identifiers: ClinVar variation 2035109 (VCV002035109.4), dbSNP rs1329062116, ClinGen allele CA581977599.

ClinVar aggregate classification (germline): Uncertain significance (1 of 4 stars; one submission).

Conditions:
CHARGE syndrome (CHARGE). Also called: Hittner Hirsch Kreh syndrome; CHARGE ASSOCIATION--COLOBOMA, HEART ANOMALY, CHOANAL ATRESIA, RETARDATION, GENITAL AND EAR ANOMALIES; Coloboma, heart anomaly, choanal atresia, retardation, genital and ear anomalies; CHARGE association; Hall-Hittner syndrome. Identifiers: Orphanet 138, MedGen C0265354, MONDO:0008965.

Submission:

Labcorp Genetics (formerly Invitae), Labcorp
Classification: Uncertain significance for CHARGE syndrome. Last evaluated: 2022-10-10. Review status: criteria provided, single submitter. Criteria: Invitae Variant Classification Sherloc (09022015). Collection method: clinical testing. Allele origin: germline.
Comment: This variant has not been reported in the literature in individuals affected with CHD7-related conditions. This variant is present in population databases (no rsID available, gnomAD 0.006%). This sequence change falls in intron 11 of the CHD7 gene. It does not directly change the encoded amino acid sequence of the CHD7 protein. It affects a nucleotide within the consensus splice site. Variants that disrupt the consensus splice site are a relatively common cause of aberrant splicing (PMID: 17576681, 9536098). Algorithms developed to predict the effect of sequence changes on RNA splicing suggest that this variant may create or strengthen a splice site. In summary, the available evidence is currently insufficient to determine the role of this variant in disease. Therefore, it has been classified as a Variant of Uncertain Significance.

Literature cited by the submitters: PubMed 17576681; PubMed 9536098.